The following is an entry in ClinVar:

NM_005912.3(MC4R):c.763G>A (p.Val255Ile)

Gene: MC4R (melanocortin 4 receptor; minus strand). Cytogenetic location: 18q21.32.
Variant type: single nucleotide variant.
Coding change: c.763G>A on transcript NM_005912.3 (MANE Select); coding-DNA position 763, G replaced by A.
Protein change: p.Val255Ile; replaces valine 255 with isoleucine.
Molecular consequence: missense variant.
Genome position (GRCh38, 1-based): chr18:60,371,587, C>T on the plus strand (G>A on the coding strand, the complement: MC4R is on the minus strand). VCF-style: chr18-60371587-C-T. GRCh37 (hg19) VCF-style: chr18-58038820-C-T.
Other names: short protein forms V255I.
Identifiers: ClinVar variation 1321145 (VCV001321145.3), dbSNP rs756424832, ClinGen allele CA8980841.

ClinVar aggregate classification (germline): Uncertain significance. Review status: criteria provided, single submitter (1 of 4 stars). 2 submissions from 2 submitters: Uncertain significance (1). 1 of the submissions does not count toward it. Last evaluated 2019-08-13.

Conditions:
MC4R-related disorder. Also called: MC4R-related condition.

Allele frequency attached by ClinVar (database versions not stated): ExAC 0.00001; gnomAD exomes 0.00001.

Submissions (2):

GeneDx
Classification: Uncertain significance. Last evaluated: 2019-08-13. Review status: criteria provided, single submitter. Criteria: GeneDx Variant Classification Process June 2021. Collection method: clinical testing. Allele origin: germline. Affected: yes.
Comment: In silico analysis, which includes protein predictors and evolutionary conservation, supports that this variant does not alter protein structure/function; Has not been previously published as pathogenic or benign to our knowledge

PreventionGenetics, part of Exact Sciences
Classification: Uncertain significance for MC4R-related condition. Last evaluated: 2024-05-20. Review status: no assertion criteria provided. Collection method: clinical testing. Allele origin: germline. Not counted in ClinVar's aggregate classification.
Comment: The MC4R c.763G>A variant is predicted to result in the amino acid substitution p.Val255Ile. To our knowledge, this variant has not been reported in the literature. This variant is reported in 0.0098% of alleles in individuals of South Asian descent in gnomAD. At this time, the clinical significance of this variant is uncertain due to the absence of conclusive functional and genetic evidence.